The following is an entry in ClinVar:

NM_001429.4(EP300):c.4599C>G (p.Thr1533=)

Gene: EP300 (EP300 lysine acetyltransferase; plus strand). Cytogenetic location: 22q13.2.
Variant type: single nucleotide variant.
Coding change: c.4599C>G on transcript NM_001429.4 (MANE Select); coding-DNA position 4599, C replaced by G.
Protein change: p.Thr1533=; no amino-acid change (threonine 1533 retained).
Molecular consequence: synonymous variant.
Genome position (GRCh38, 1-based): chr22:41,172,645, C>G. VCF-style: chr22-41172645-C-G. GRCh37 (hg19) VCF-style: chr22-41568649-C-G.
Other names: c.4521C>G, p.Thr1507= (NM_001362843.2).
Identifiers: ClinVar variation 718135 (VCV000718135.13), dbSNP rs143885808, ClinGen allele CA10253459.

ClinVar aggregate classification (germline): Benign/Likely benign. Review status: criteria provided, multiple submitters, no conflicts (2 of 4 stars). 5 submissions from 5 submitters: Benign (3); Likely benign (1). 1 of the submissions does not count toward it. Last evaluated 2025-10-07.

Conditions:
EP300-related disorder. Also called: EP300-related condition; EP300-related disorders.
Rubinstein-Taybi syndrome due to EP300 haploinsufficiency. Also called: EP300-Related Rubinstein-Taybi Syndrome; RUBINSTEIN-TAYBI SYNDROME 2. Identifiers: Orphanet 353284, Orphanet 783, MedGen C3150941, MONDO:0013364, OMIM 613684.

Allele frequency attached by ClinVar (database versions not stated): gnomAD exomes 0.00006 and 0.00018; ExAC 0.00016; 1000 Genomes Project 0.00060; gnomAD 0.00060 and 0.00068; 1000 Genomes Project 30x 0.00062; ESP Exome Variant Server 0.00062; TOPMed 0.00072.
gnomAD v4.1: 177 of 1,613,292 alleles (0.011%); highest among the groups gnomAD compares: African/African-American, 0.21%; no homozygotes.

Submissions (5):

Labcorp Genetics (formerly Invitae), Labcorp
Classification: Benign for Rubinstein-Taybi syndrome due to EP300 haploinsufficiency. Last evaluated: 2025-10-07. Review status: criteria provided, single submitter. Criteria: Invitae Variant Classification Sherloc (09022015). Collection method: clinical testing. Allele origin: germline.

Blueprint Genetics
Classification: Likely benign. Last evaluated: 2024-10-22. Review status: criteria provided, single submitter. Criteria: ACMG Guidelines, 2015. Collection method: clinical testing. Allele origin: germline.

GeneDx
Classification: Benign. Last evaluated: 2019-04-03. Review status: criteria provided, single submitter. Criteria: GeneDx Variant Classification Process June 2021. Collection method: clinical testing. Allele origin: germline. Affected: yes.

Breakthrough Genomics
Classification: Benign. Review status: criteria provided, single submitter. Criteria: ACMG Guidelines, 2015. Collection method: not provided. Allele origin: germline. Inheritance: Autosomal dominant inheritance. Affected: yes.

PreventionGenetics, part of Exact Sciences
Classification: Likely benign for EP300-related condition. Last evaluated: 2021-07-26. Review status: no assertion criteria provided. Collection method: clinical testing. Allele origin: germline. Not counted in ClinVar's aggregate classification.
Comment: This variant is classified as likely benign based on ACMG/AMP sequence variant interpretation guidelines (Richards et al. 2015 PMID: 25741868, with internal and published modifications).